The following is an entry in ClinVar:

ClinVar aggregate classification (germline): Likely pathogenic (1 of 4 stars; one submission).

Conditions:
Ehlers-Danlos syndrome, dermatosparaxis type. Also called: Dermatosparaxis; EDS VIIC; Ehlers-Danlos syndrome, type VII, autosomal recessive. Identifiers: Orphanet 1901, MedGen C2700425, MONDO:0009161, OMIM 225410.

Allele frequency attached by ClinVar (database versions not stated): gnomAD exomes below 0.00001; TOPMed 0.00001.

Submission:

Labcorp Genetics (formerly Invitae), Labcorp
Classification: Likely pathogenic for Ehlers-Danlos syndrome, dermatosparaxis type. Last evaluated: 2025-12-29. Review status: criteria provided, single submitter. Criteria: Invitae Variant Classification Sherloc (09022015). Collection method: clinical testing. Allele origin: germline.
Comment: This sequence change affects a splice site in intron 21 of the ADAMTS2 gene. It is expected to disrupt RNA splicing. Variants that disrupt the donor or acceptor splice site typically lead to a loss of protein function (PMID: 16199547), and loss-of-function variants in ADAMTS2 are known to be pathogenic (PMID: 10417273). This variant is not present in population databases (gnomAD no frequency). This variant has not been reported in the literature in individuals affected with ADAMTS2-related conditions. ClinVar contains an entry for this variant (Variation ID: 2904375). Algorithms developed to predict the effect of sequence changes on RNA splicing suggest that this variant may disrupt the consensus splice site. In summary, the currently available evidence indicates that the variant is pathogenic, but additional data are needed to prove that conclusively. Therefore, this variant has been classified as Likely Pathogenic.

Literature cited by the submitters: PubMed 16199547; PubMed 10417273.

NM_014244.5(ADAMTS2):c.3179-1del

Gene: ADAMTS2 (ADAM metallopeptidase with thrombospondin type 1 motif 2; minus strand). Cytogenetic location: 5q35.3.
Variant type: Deletion.
Coding change: c.3179-1del on transcript NM_014244.5 (MANE Select); the canonical splice acceptor site of the intron before coding-DNA position 3179, one base deleted (G; older notation c.3179-1delG).
Molecular consequence: splice acceptor variant.
Genome position (GRCh38, 1-based): chr5:179,114,325, C deleted on the plus strand (G on the coding strand, the reverse complement: ADAMTS2 is on the minus strand). VCF-style (leftmost placement, unchanged base first): chr5-179114324-TC-T. GRCh37 (hg19) VCF-style: chr5-178541325-TC-T.
Identifiers: ClinVar variation 2904375 (VCV002904375.3), dbSNP rs1290985047, ClinGen allele CA808263629.
Genomic context (GRCh38, chr5:179,114,324, plus strand): 5'-CAATAGCGGGACAAGACTTCCATCCTACAGAATATTGACTTGTCGCCTTGGCAGTGGCCC[TC>T]TGAAAAAGAAAAGTGGGACAAATAACCAAAGGACAAGATAAGGGGGACTTTGTTCCCCCA-3'